The following is an entry in ClinVar:

ClinVar aggregate classification (germline): Benign (1 of 4 stars; one submission).

Allele frequency attached by ClinVar (database versions not stated): 1000 Genomes Project 0.00200; 1000 Genomes Project 30x 0.00203; gnomAD exomes 0.01111.
gnomAD v4.1: 1,015 of 153,984 alleles (0.66%); highest among the groups gnomAD compares: Admixed American, 1.2%; 5 homozygotes.

Submission:

CeGaT Center for Human Genetics Tuebingen
Classification: Benign. Last evaluated: 2023-06-01. Review status: criteria provided, single submitter. Criteria: CeGaT Center For Human Genetics Tuebingen Variant Classification Criteria Version 2. Collection method: clinical testing. Allele origin: germline. Affected: yes. Observed: 7 variant alleles.
Comment: TBCE: BS1, BS2

NM_003193.5(TBCE):c.1271-610G>T

Genes: B3GALNT2 (beta-1,3-N-acetylgalactosaminyltransferase 2; minus strand), TBCE (tubulin folding cofactor E; plus strand). Cytogenetic location: 1q42.3.
Variant type: single nucleotide variant.
Coding change: c.1271-610G>T on transcript NM_003193.5 (MANE Select); 610 bases into the intron before coding-DNA position 1271, G replaced by T.
Molecular consequence: intron variant.
Genome position (GRCh38, 1-based): chr1:235,441,204, G>T. VCF-style: chr1-235441204-G-T. GRCh37 (hg19) VCF-style: chr1-235604519-G-T.
Other names: c.1271-610G>T (NM_001079515.3); c.1424-610G>T (NM_001287801.2); c.932-610G>T (NM_001287802.2).
Identifiers: ClinVar variation 2640097 (VCV002640097.24), dbSNP rs113026242, ClinGen allele CA39595643.
Genomic context (GRCh38, chr1:235,441,204, plus strand): 5'-GTATTGTTGAGTATTTCACTGCTAAGAATGTTAGAAGACAAAAGCACAGATAGATGGGGG[G>T]ATTTAGAGAAATGTTGTCACTGTTTGGCCTAGAGCAGGAAAAAAGTACTGCTTTCCTCCT-3'